The following is an entry in ClinVar:

ClinVar aggregate classification (germline): Benign. Review status: reviewed by expert panel (3 of 4 stars). 27 submissions from 27 submitters: Benign (1). 26 of the submissions do not count toward it. Last evaluated 2015-08-10.

Conditions:
Pancreatic cancer, susceptibility to, 4. Identifiers: Orphanet 1333, MedGen C3280442, MONDO:0013685, OMIM 614320.
Familial cancer of breast. Also called: Hereditary breast cancer; hereditary breast carcinoma; BREAST CANCER, FAMILIAL. Identifiers: Orphanet 227535, MedGen C0346153, MONDO:0016419, OMIM 114480. Disease mechanism: loss of function.
Breast-ovarian cancer, familial, susceptibility to, 1 (BROVCA1). Also called: BRCA1 Hereditary Breast and Ovarian Cancer; OVARIAN CANCER, SUSCEPTIBILITY TO. Identifiers: Orphanet 145, MedGen C2676676, MONDO:0011450, OMIM 604370. Disease mechanism: loss of function.
Fanconi anemia, complementation group S (FANCS). Identifiers: MedGen C4554406, MONDO:0054748, OMIM 617883.
Hereditary cancer-predisposing syndrome. Also called: Neoplastic Syndromes, Hereditary; Hereditary neoplastic syndrome; Hereditary Cancer Syndrome; Tumor predisposition. Identifiers: Orphanet 140162, MedGen C0027672, MeSH D009386, MONDO:0015356.
Ovarian cancer. Also called: OVARIAN CANCER, SOMATIC. Identifiers: Orphanet 213500, MedGen C1140680, MONDO:0008170, OMIM 167000.
Hereditary breast ovarian cancer syndrome. Also called: Hereditary breast and ovarian cancer syndrome (HBOC); Breast and ovarian cancer; BRCA1- and BRCA2-Associated Hereditary Breast and Ovarian Cancer; Hereditary breast and ovarian cancer syndrome; Hereditary breast and ovarian cancer; Hereditary breast and/or ovarian cancer syndrome. Identifiers: Orphanet 145, MedGen C0677776, MeSH D061325, MONDO:0003582. Disease mechanism: loss of function.

Allele frequency attached by ClinVar (database versions not stated): TOPMed 0.00069; 1000 Genomes Project 0.00080; 1000 Genomes Project 30x 0.00094; gnomAD 0.00103 and 0.00106; ExAC 0.00017.
gnomAD v4.1: 408 of 1,613,886 alleles (0.025%); highest among the groups gnomAD compares: Admixed American, 0.53%; 2 homozygotes.

Submissions 1 to 17 of 27:

Evidence-based Network for the Interpretation of Germline Mutant Alleles (ENIGMA)
Classification: Benign for Breast-ovarian cancer, familial 1. Last evaluated: 2015-08-10. Review status: reviewed by expert panel. Criteria: ENIGMA BRCA1/2 Classification Criteria (2015). Collection method: curation. Allele origin: germline.
Comment: IARC class based on posterior probability from multifactorial likelihood analysis, thresholds for class as per Plon et al. 2008 (PMID: 18951446). Class 1 based on posterior probability = 0.00000998

CeGaT Center for Human Genetics Tuebingen
Classification: Likely benign. Last evaluated: 2026-08-01. Review status: criteria provided, single submitter. Criteria: CeGaT Center For Human Genetics Tuebingen Variant Classification Criteria Version 2. Collection method: clinical testing. Allele origin: germline. Affected: yes. Observed: 12 variant alleles. Not counted in ClinVar's aggregate classification.
Comment: BRCA1: BP4, BS2

Labcorp Genetics (formerly Invitae), Labcorp
Classification: Benign for Hereditary breast ovarian cancer syndrome. Last evaluated: 2026-02-03. Review status: criteria provided, single submitter. Criteria: Invitae Variant Classification Sherloc (09022015). Collection method: clinical testing. Allele origin: germline. Not counted in ClinVar's aggregate classification.

Dasa
Classification: Benign for Breast-ovarian cancer, familial, susceptibility to, 1. Last evaluated: 2025-12-04. Review status: criteria provided, single submitter. Criteria: DASA Assertion Criteria. Collection method: clinical testing. Allele origin: germline. Not counted in ClinVar's aggregate classification.
Comment: NM_007294.4(BRCA1):c.3083G>A (p.Arg1028His) is interpreted as benign based on a combination of available evidence, which may include population frequency, observations in unaffected individuals, intact protein function, lack of segregation with disease, in silico models, amino acid conservation, lack of disease association in case-control studies, and/or inconsistency with the known disease mechanism or impacted region. Based on the available data, this variant is classified as benign.

Center for Genomic Medicine, Rigshospitalet, Copenhagen University Hospital
Classification: Benign. Last evaluated: 2025-03-04. Review status: criteria provided, single submitter. Criteria: ACMG Guidelines, 2015. Collection method: clinical testing. Allele origin: germline. Not counted in ClinVar's aggregate classification.

ARUP Laboratories, Molecular Genetics and Genomics, ARUP Laboratories
Classification: Benign. Last evaluated: 2024-09-03. Review status: criteria provided, single submitter. Criteria: ARUP Molecular Germline Variant Investigation Process 2024. Collection method: clinical testing. Allele origin: germline. Not counted in ClinVar's aggregate classification.

Blueprint Genetics
Classification: Likely benign. Last evaluated: 2024-06-10. Review status: criteria provided, single submitter. Criteria: ACMG Guidelines, 2015. Collection method: clinical testing. Allele origin: germline. Not counted in ClinVar's aggregate classification.

All of Us Research Program, National Institutes of Health
Classification: Likely benign for Breast-ovarian cancer, familial, susceptibility to, 1. Last evaluated: 2024-02-05. Review status: criteria provided, single submitter. Criteria: ACMG Guidelines, 2015. Collection method: clinical testing. Allele origin: germline. Inheritance: Autosomal dominant inheritance. Observed: 73 variant alleles, 73 heterozygotes. Not counted in ClinVar's aggregate classification.
Comment: This study involves interpretation of variants in research participants for the purpose of population health screening. Participant phenotype was not available at the time of variant classification. Additional details can be found in publication PMID: 35346344, PMCID: PMC8962531

National Health Laboratory Service, Universitas Academic Hospital and University of the Free State
Classification: Benign for Hereditary breast ovarian cancer syndrome. Last evaluated: 2022-04-19. Review status: criteria provided, single submitter. Criteria: ACMG Guidelines, 2015. Collection method: clinical testing. Allele origin: germline. Affected: yes. Observed: 1 variant allele. Not counted in ClinVar's aggregate classification.

Laboratory of Molecular Epidemiology of Birth Defects, West China Second University Hospital, Sichuan University
Classification: Benign for Ovarian cancer. Last evaluated: 2022-01-01. Review status: criteria provided, single submitter. Criteria: ACMG Guidelines, 2015. Collection method: clinical testing. Allele origin: germline. Affected: yes. Not counted in ClinVar's aggregate classification.

Fulgent Genetics
Classification: Likely benign for Familial cancer of breast; Breast-ovarian cancer, familial, susceptibility to, 1; Pancreatic cancer, susceptibility to, 4; Fanconi anemia, complementation group S. Last evaluated: 2021-11-29. Review status: criteria provided, single submitter. Criteria: ACMG Guidelines, 2015. Collection method: clinical testing. Allele origin: unknown. Not counted in ClinVar's aggregate classification.

Laboratory for Molecular Medicine, Mass General Brigham Personalized Medicine
Classification: Benign. Last evaluated: 2021-05-17. Review status: criteria provided, single submitter. Criteria: ACMG Guidelines, 2015. Collection method: clinical testing. Allele origin: germline. Not counted in ClinVar's aggregate classification.
Comment: The p.Arg1028His variant in BRCA1 is classified as benign because it has been identified in 0.3% (123/35432) of Latino chromosomes by gnomAD. Additionally, this variant is not conserved across species, and >5 mammals carry a histidine at this position despite high nearby amino acid conservation. In addition, computational prediction tools predict that this variant does not impact the protein. ACMG/AMP Criteria applied: BS1_Supporting, BP4.

Sema4
Classification: Likely benign for Hereditary cancer-predisposing syndrome. Last evaluated: 2021-01-26. Review status: criteria provided, single submitter. Criteria: Sema4 Curation Guidelines. Collection method: curation. Allele origin: germline. Not counted in ClinVar's aggregate classification.

Genetic Services Laboratory, University of Chicago
Classification: Likely benign. Last evaluated: 2020-09-14. Review status: criteria provided, single submitter. Criteria: ACMG Guidelines, 2015. Collection method: clinical testing. Allele origin: germline. Affected: no. Not counted in ClinVar's aggregate classification.

GeneDx
Classification: Likely benign. Last evaluated: 2020-07-26. Review status: criteria provided, single submitter. Criteria: GeneDx Variant Classification Process June 2021. Collection method: clinical testing. Allele origin: germline. Affected: yes. Not counted in ClinVar's aggregate classification.
Comment: This variant is associated with the following publications: (PMID: 24728327, 28717660, 28364669, 9333265, 26689913, 21990134, 15235020, 16267036, 22366370, 17924331, 10699917, 22753008)

Institute for Biomarker Research, Medical Diagnostic Laboratories, L.L.C.
Classification: Likely benign for Hereditary cancer-predisposing syndrome. Last evaluated: 2018-05-23. Review status: criteria provided, single submitter. Criteria: ACMG Guidelines, 2015. Collection method: clinical testing. Allele origin: germline. Not counted in ClinVar's aggregate classification.

Illumina Laboratory Services, Illumina
Classification: Benign for Breast-ovarian cancer, familial, susceptibility to, 1. Last evaluated: 2018-02-15. Review status: criteria provided, single submitter. Criteria: ICSL Variant Classification Criteria 13 December 2019. Collection method: clinical testing. Allele origin: germline. Not counted in ClinVar's aggregate classification.
Comment: This variant was observed as part of a predisposition screen in an ostensibly healthy population. A literature search was performed for the gene, cDNA change, and amino acid change (where applicable). Publications were found based on this search. The evidence from the literature, in combination with allele frequency data from public databases where available, was sufficient to rule this variant out of causing disease. Therefore, this variant is classified as benign.

NM_007294.4(BRCA1):c.3083G>A (p.Arg1028His)

Gene: BRCA1 (BRCA1 DNA repair associated; minus strand). Cytogenetic location: 17q21.31.
Variant type: single nucleotide variant.
Coding change: c.3083G>A on transcript NM_007294.4 (MANE Select); coding-DNA position 3083, G replaced by A.
Protein change: p.Arg1028His; replaces arginine 1028 with histidine.
Molecular consequence: missense variant. On other transcripts: intron variant (137).
Genome position (GRCh38, 1-based): chr17:43,092,448, C>T on the plus strand (G>A on the coding strand, the complement: BRCA1 is on the minus strand). VCF-style: chr17-43092448-C-T. GRCh37 (hg19) VCF-style: chr17-41244465-C-T.
Other names: p.R1028H:CGT>CAT; 3202G>A; NP_009225.1:p.Arg1028His; c.2960G>A, p.Arg987His (NM_001407683.1, NM_001407648.1, NM_001407664.1 and 19 more transcripts); c.2870G>A, p.Arg957His (NM_001407571.1, NM_001407899.1, NM_001407853.1 and 9 more transcripts); c.3083G>A, p.Arg1028His (NM_001407581.1, NM_001407582.1, NM_001407583.1 and 30 more transcripts); c.3080G>A, p.Arg1027His (NM_001407587.1, NM_001407590.1, NM_001407591.1 and 22 more transcripts); c.3074G>A, p.Arg1025His (NM_001407646.1, NM_001407647.1); and 44 more; short protein forms R1028H, R981H, R1001H, R916H, R940H, R957H, R980H, R986H.
Identifiers: ClinVar variation 37507 (VCV000037507.65), dbSNP rs80357459, ClinGen allele CA002021.